The following is an entry in ClinVar:

NM_014714.4(IFT140):c.1364C>T (p.Ala455Val)

Genes: IFT140 (intraflagellar transport 140; minus strand), LOC105371046 (uncharacterized LOC105371046; plus strand). Cytogenetic location: 16p13.3.
Variant type: single nucleotide variant.
Coding change: c.1364C>T on transcript NM_014714.4 (MANE Select); coding-DNA position 1364, C replaced by T.
Protein change: p.Ala455Val; replaces alanine 455 with valine.
Molecular consequence: missense variant.
Genome position (GRCh38, 1-based): chr16:1,583,382, G>A on the plus strand (C>T on the coding strand, the complement: IFT140 is on the minus strand). VCF-style: chr16-1583382-G-A. GRCh37 (hg19) VCF-style: chr16-1633383-G-A.
Other names: c.1364C>T (NM_014714.3); short protein forms A455V.
Identifiers: ClinVar variation 1060605 (VCV001060605.12), dbSNP rs201949058, ClinGen allele CA7814325.

ClinVar aggregate classification (germline): Uncertain significance. Review status: criteria provided, multiple submitters, no conflicts (2 of 4 stars). 5 submissions from 5 submitters: Uncertain significance (5). Last evaluated 2025-12-15.

Conditions:
IFT140-related disorder. Also called: IFT140-related condition.
Saldino-Mainzer syndrome (SRTD9). Also called: short-rib thoracic dysplasia 9 with or without polydactyly; CONORENAL SYNDROME; Renal dysplasia, retinal pigmentary dystrophy, cerebellar ataxia and skeletal dysplasia; SHORT-RIB THORACIC DYSPLASIA 9 WITHOUT POLYDACTYLY. Identifiers: Orphanet 140969, MedGen C1849437, MONDO:0009964, OMIM 266920.
Inborn genetic diseases. Identifiers: MedGen C0950123, MeSH D030342.
Retinitis pigmentosa 80 (RP80). Identifiers: MedGen C4540439, MONDO:0054708, OMIM 617781.

Allele frequency attached by ClinVar (database versions not stated): ExAC 0.00001; gnomAD exomes 0.00001 and 0.00002; gnomAD 0.00011 and 0.00012; ESP Exome Variant Server 0.00015; TOPMed 0.00019; 1000 Genomes Project 0.00020; 1000 Genomes Project 30x 0.00031.
gnomAD v4.1: 32 of 1,614,034 alleles (0.002%); highest among the groups gnomAD compares: African/African-American, 0.019%; no homozygotes.

Submissions (5):

Labcorp Genetics (formerly Invitae), Labcorp
Classification: Uncertain significance for Saldino-Mainzer syndrome. Last evaluated: 2025-12-15. Review status: criteria provided, single submitter. Criteria: Invitae Variant Classification Sherloc (09022015). Collection method: clinical testing. Allele origin: germline.
Comment: This sequence change replaces alanine, which is neutral and non-polar, with valine, which is neutral and non-polar, at codon 455 of the IFT140 protein (p.Ala455Val). This variant is present in population databases (rs201949058, gnomAD 0.02%). This variant has not been reported in the literature in individuals affected with IFT140-related conditions. ClinVar contains an entry for this variant (Variation ID: 1060605). Invitae Evidence Modeling of protein sequence and biophysical properties (such as structural, functional, and spatial information, amino acid conservation, physicochemical variation, residue mobility, and thermodynamic stability) indicates that this missense variant is not expected to disrupt IFT140 protein function with a negative predictive value of 95%. In summary, the available evidence is currently insufficient to determine the role of this variant in disease. Therefore, it has been classified as a Variant of Uncertain Significance.

PreventionGenetics, part of Exact Sciences
Classification: Uncertain significance for IFT140-related condition. Last evaluated: 2025-10-13. Review status: criteria provided, single submitter. Criteria: ACMG Guidelines, 2015. Collection method: clinical testing. Allele origin: germline.
Comment: The IFT140 c.1364C>T variant is predicted to result in the amino acid substitution p.Ala455Val. To our knowledge, this variant has not been reported in the literature. This variant is reported in 0.012% of alleles in individuals of African descent in gnomAD. At this time, the clinical significance of this variant is uncertain due to the absence of conclusive functional and genetic evidence.

Blueprint Genetics
Classification: Uncertain significance. Last evaluated: 2024-09-09. Review status: criteria provided, single submitter. Criteria: ACMG Guidelines, 2015. Collection method: clinical testing. Allele origin: germline.

Fulgent Genetics
Classification: Uncertain significance for Saldino-Mainzer syndrome; Retinitis pigmentosa 80. Last evaluated: 2024-03-22. Review status: criteria provided, single submitter. Criteria: ACMG Guidelines, 2015. Collection method: clinical testing. Allele origin: germline.

Ambry Genetics
Classification: Uncertain significance for Inborn genetic diseases. Last evaluated: 2022-12-01. Review status: criteria provided, single submitter. Criteria: Ambry Variant Classification Scheme 2023. Collection method: clinical testing. Allele origin: germline.